The following is an entry in ClinVar:

NM_001353345.2(SETD1B):c.2535T>C (p.Pro845=)

Gene: SETD1B (SET domain containing 1B, histone lysine methyltransferase; plus strand). Cytogenetic location: 12q24.31.
Variant type: single nucleotide variant.
Coding change: c.2535T>C on transcript NM_001353345.2 (MANE Select); coding-DNA position 2535, T replaced by C.
Protein change: p.Pro845=; no amino-acid change (proline 845 retained).
Molecular consequence: synonymous variant.
Genome position (GRCh38, 1-based): chr12:121,814,750, T>C. VCF-style: chr12-121814750-T-C. GRCh37 (hg19) VCF-style: chr12-122252656-T-C.
Identifiers: ClinVar variation 2643453 (VCV002643453.24), dbSNP rs1014645311, ClinGen allele CA244641631.

ClinVar aggregate classification (germline): Likely benign (1 of 4 stars; one submission).

Allele frequency attached by ClinVar (database versions not stated): gnomAD 0.00001; TOPMed 0.00001.
gnomAD v4.1: 9 of 1,551,124 alleles (0.00058%); highest among the groups gnomAD compares: Non-Finnish European, 0.00052%; no homozygotes.

Submission:

CeGaT Center for Human Genetics Tuebingen
Classification: Likely benign. Last evaluated: 2022-07-01. Review status: criteria provided, single submitter. Criteria: CeGaT Center For Human Genetics Tuebingen Variant Classification Criteria Version 2. Collection method: clinical testing. Allele origin: germline. Affected: yes. Observed: 1 variant allele.
Comment: SETD1B: BP4, BP7